The following is an entry in ClinVar:

NM_000179.3(MSH6):c.73G>T (p.Ala25Ser)

Gene: MSH6 (mutS homolog 6; plus strand). Cytogenetic location: 2p16.3.
Variant type: single nucleotide variant.
Coding change: c.73G>T on transcript NM_000179.3 (MANE Select); coding-DNA position 73, G replaced by T.
Protein change: p.Ala25Ser; replaces alanine 25 with serine.
Molecular consequence: missense variant. On other transcripts: 5 prime UTR variant (1).
Genome position (GRCh38, 1-based): chr2:47,783,306, G>T. VCF-style: chr2-47783306-G-T. GRCh37 (hg19) VCF-style: chr2-48010445-G-T.
Other names: p.A25S:GCC>TCC; c.73G>T, p.Ala25Ser (NM_001281492.2); c.-664G>T (NM_001281493.2); short protein forms A25S.
Identifiers: ClinVar variation 89562 (VCV000089562.65), dbSNP rs267608026, ClinGen allele CA016371.

ClinVar aggregate classification (germline): Conflicting classifications of pathogenicity. Review status: criteria provided, conflicting classifications (1 of 4 stars). 23 submissions from 23 submitters: Uncertain significance (4); Likely benign (19). Last evaluated 2026-09-01.

Conditions:
MSH6-related disorder. Also called: MSH6-related condition; MSH6-Related disorders.
Hereditary nonpolyposis colorectal neoplasms. Identifiers: MedGen C0009405, MeSH D003123.
Mismatch repair cancer syndrome 3. Identifiers: MedGen C5436807, MONDO:0030841, OMIM 619097.
Endometrial carcinoma. Also called: Endometrial carcinoma, somatic. Identifiers: MedGen C0476089, MONDO:0002447, OMIM 608089, HP:0012114.
Lynch syndrome 5 (LYNCH5). Also called: Colorectal cancer, hereditary nonpolyposis, type 5; Hereditary non-polyposis colorectal cancer, type 5. Identifiers: Orphanet 144, MedGen C1833477, MONDO:0013710, OMIM 614350. Disease mechanism: loss of function.
Hereditary cancer-predisposing syndrome. Also called: Neoplastic Syndromes, Hereditary; Tumor predisposition; Hereditary Cancer Syndrome; Hereditary neoplastic syndrome. Identifiers: Orphanet 140162, MedGen C0027672, MeSH D009386, MONDO:0015356.
Mismatch repair cancer syndrome 1 (MMRCS1). Also called: MISMATCH REPAIR DEFICIENCY; MMR DEFICIENCY; BRAIN TUMOR-POLYPOSIS SYNDROME 1; BTP1 SYNDROME; CHILDHOOD CANCER SYNDROME. Identifiers: Orphanet 252202, MedGen C5399763, MONDO:0010159, OMIM 276300. Disease mechanism: loss of function.
Lynch syndrome. Identifiers: Orphanet 144, MedGen C4552100, MONDO:0005835. Disease mechanism: loss of function.
Hereditary breast ovarian cancer syndrome. Also called: Hereditary breast and/or ovarian cancer syndrome; Hereditary breast and ovarian cancer syndrome; Hereditary breast and ovarian cancer; Hereditary breast and ovarian cancer syndrome (HBOC); Breast and ovarian cancer; BRCA1- and BRCA2-Associated Hereditary Breast and Ovarian Cancer. Identifiers: Orphanet 145, MedGen C0677776, MeSH D061325, MONDO:0003582. Disease mechanism: loss of function.

Allele frequency attached by ClinVar (database versions not stated): ESP Exome Variant Server 0.00016; gnomAD exomes 0.00017 and 0.00014; TOPMed 0.00018; ExAC 0.00015; gnomAD 0.00019 and 0.00023.
gnomAD v4.1: 280 of 1,611,842 alleles (0.017%); highest among the groups gnomAD compares: Non-Finnish European, 0.022%; no homozygotes.

Submissions 1 to 15 of 23:

CeGaT Center for Human Genetics Tuebingen
Classification: Likely benign. Last evaluated: 2026-09-01. Review status: criteria provided, single submitter. Criteria: CeGaT Center For Human Genetics Tuebingen Variant Classification Criteria Version 2. Collection method: clinical testing. Allele origin: germline. Affected: yes. Observed: 5 variant alleles.
Comment: MSH6: BP1, BP2, BS3:Supporting

Labcorp Genetics (formerly Invitae), Labcorp
Classification: Likely benign for Hereditary nonpolyposis colorectal neoplasms. Last evaluated: 2026-02-03. Review status: criteria provided, single submitter. Criteria: Invitae Variant Classification Sherloc (09022015). Collection method: clinical testing. Allele origin: germline.

Dasa
Classification: Uncertain significance. Last evaluated: 2025-12-09. Review status: criteria provided, single submitter. Criteria: DASA Assertion Criteria. Collection method: clinical testing. Allele origin: germline.
Comment: NM_000179.3(MSH6):c.73G>T (p.Ala25Ser) is a missense variant that results in the substitution of alanine with serine. This variant is rare in population databases. Computational prediction algorithms are consistent with a benign effect. The currently available literature and clinical evidence are not sufficient to establish a definitive association between this variant and the reported condition. Therefore, this variant is classified as a variant of uncertain significance.

Mayo Clinic Laboratories, Mayo Clinic
Classification: Likely benign. Last evaluated: 2025-05-27. Review status: criteria provided, single submitter. Criteria: ACMG Guidelines, 2015. Collection method: clinical testing. Allele origin: germline. Observed: 3 variant alleles.
Comment: BS1, BP4, BP5

Center for Genomic Medicine, Rigshospitalet, Copenhagen University Hospital
Classification: Likely benign. Last evaluated: 2025-03-04. Review status: criteria provided, single submitter. Criteria: ACMG Guidelines, 2015. Collection method: clinical testing. Allele origin: germline.

Hereditary Cancer Laboratory, Hospital Universitario 12 de Octubre
Classification: Likely benign for Hereditary cancer-predisposing syndrome. Last evaluated: 2025-02-10. Review status: criteria provided, single submitter. Criteria: ACMG Guidelines, 2015. Collection method: clinical testing. Allele origin: germline.
Comment: PM2sup+BP4+BP6

PreventionGenetics, part of Exact Sciences
Classification: Likely benign for MSH6-related condition. Last evaluated: 2025-01-15. Review status: criteria provided, single submitter. Criteria: ACMG Guidelines, 2015. Collection method: clinical testing. Allele origin: germline.
Comment: This variant is classified as likely benign based on ACMG/AMP sequence variant interpretation guidelines (Richards et al. 2015 PMID: 25741868, with internal and published modifications).

Myriad Genetics, Inc.
Classification: Likely benign for Lynch syndrome 5. Last evaluated: 2024-12-17. Review status: criteria provided, single submitter. Criteria: Myriad Autosomal Dominant, Autosomal Recessive and X-Linked Classification Criteria (2023). Collection method: clinical testing. Allele origin: unknown.
Comment: This variant is considered likely benign. This variant is strongly associated with less severe personal and family histories of cancer, typical for individuals without pathogenic variants in this gene [PMID: 27363726].

Blueprint Genetics
Classification: Likely benign. Last evaluated: 2024-11-14. Review status: criteria provided, single submitter. Criteria: ACMG Guidelines, 2015. Collection method: clinical testing. Allele origin: germline.

All of Us Research Program, National Institutes of Health
Classification: Likely benign for Lynch syndrome. Last evaluated: 2024-08-30. Review status: criteria provided, single submitter. Criteria: ACMG Guidelines, 2015. Collection method: clinical testing. Allele origin: germline. Inheritance: Autosomal dominant inheritance. Observed: 63 variant alleles, 63 heterozygotes.
Comment: This study involves interpretation of variants in research participants for the purpose of population health screening. Participant phenotype was not available at the time of variant classification. Additional details can be found in publication PMID: 35346344, PMCID: PMC8962531

ARUP Laboratories, Molecular Genetics and Genomics, ARUP Laboratories
Classification: Likely benign. Last evaluated: 2024-06-06. Review status: criteria provided, single submitter. Criteria: ARUP Molecular Germline Variant Investigation Process 2024. Collection method: clinical testing. Allele origin: germline.

German Consortium for Hereditary Breast and Ovarian Cancer, University Hospital Cologne
Classification: Likely benign for Hereditary breast ovarian cancer syndrome. Last evaluated: 2023-11-14. Review status: criteria provided, single submitter. Criteria: ACMG Guidelines, 2015. Collection method: curation. Allele origin: germline.
Comment: REVEL: 0.076 (BP4), approximately 2-fold of the estimated maximal expected allele (BS1_sup), BS3, PMID: 28531214: not identified as MMR abrogating. According to the ACMG standard criteria we chose these criteria: BP4 (supporting benign): REVEL: 0.076 (BP4), , BS1 (supporting benign): The observed variant frequency within Non-Finnish European control individuals in the gnomAD database is approximately 2-fold of the estimated maximal expected allele frequency for a pathogenic variant in MSH6 causing Hereditary Nonpolyposis Colorectal Cancer phenotype, BS3 (strong benign): PMID: 28531214: not identified as MMR abrogating PMID: 22102614: In vitro MMR +

Women's Health and Genetics/Laboratory Corporation of America, LabCorp
Classification: Likely benign. Last evaluated: 2023-06-05. Review status: criteria provided, single submitter. Criteria: LabCorp Variant Classification Summary - May 2015. Collection method: clinical testing. Allele origin: germline.
Comment: Variant summary: MSH6 c.73G>T (p.Ala25Ser) results in a conservative amino acid change in the encoded protein sequence. Five of five in-silico tools predict a benign effect of the variant on protein function. The variant allele was found at a frequency of 0.00014 in 242354 control chromosomes, predominantly at a frequency of 0.00029 within the Non-Finnish European subpopulation in the gnomAD database. The observed variant frequency within Non-Finnish European control individuals in the gnomAD database is approximately 2-fold of the estimated maximal expected allele frequency for a pathogenic variant in MSH6 causing Hereditary Nonpolyposis Colorectal Cancer phenotype (0.00014), strongly suggesting that the variant is a benign polymorphism found primarily in populations of Non-Finnish European origin. c.73G>T has been reported in the literature in individuals evaluated for Hereditary Nonpolyposis Colorectal Cancer (e.g. Nilbert_2009, Jori_2015, Houlleberghs_2017). These reports do not provide unequivocal conclusions about association of the variant with Hereditary Nonpolyposis Colorectal Cancer. Co-occurrence with another potentially pathogenic variant has been reported at least twice (MSH6 c.2926_2929dupCGTT in Jori_2015 and MSH6 c.3103C>T/p.Arg1035X internal testing), providing supporting evidence for a benign role. The variant has also been reported in individuals with other cancer phenotypes (e.g. Wasielewski_2009, Shindo_2017) and healthy controls (e.g. Wasielewski_2009). At least two independent publications report experimental evidence that the variant does not affect normal function of MSH6 (e.g. Drost_2011, Houlleberghs_2017). The following publications have been ascertained in the context of this evaluation (PMID: 35904628, 22102614, 34445333, 28531214, 26517685, 18566915, 28767289, 19924528). Eleven other submitters have provided clinical-significance assessments for this variant in ClinVar after 2014 without evidence for independent evaluation, and classified the variant as VUS (n=3) or likely benign (n=8). Based on the evidence outlined above, the variant was classified as likely benign.

Department of Pathology and Laboratory Medicine, Sinai Health System
Classification: Likely benign for Endometrial carcinoma; Lynch syndrome 5; Mismatch repair cancer syndrome 3. Last evaluated: 2023-02-23. Review status: criteria provided, single submitter. Criteria: ACMG Guidelines, 2015. Collection method: clinical testing. Allele origin: germline. Affected: yes.

Sema4
Classification: Likely benign for Hereditary cancer-predisposing syndrome. Last evaluated: 2021-05-19. Review status: criteria provided, single submitter. Criteria: Sema4 Curation Guidelines. Collection method: curation. Allele origin: germline.